The following is an entry in ClinVar:

ClinVar aggregate classification (germline): Uncertain significance. Review status: criteria provided, multiple submitters, no conflicts (2 of 4 stars). 2 submissions from 2 submitters: Uncertain significance (2). Last evaluated 2025-01-17.

Conditions:
Hereditary cancer-predisposing syndrome. Also called: Neoplastic Syndromes, Hereditary; Hereditary Cancer Syndrome; Hereditary neoplastic syndrome; Tumor predisposition. Identifiers: Orphanet 140162, MedGen C0027672, MeSH D009386, MONDO:0015356.
Tuberous sclerosis 2 (TSC2). Identifiers: Orphanet 805, MedGen C1860707, MONDO:0013199, OMIM 613254.

Submissions (2):

Labcorp Genetics (formerly Invitae), Labcorp
Classification: Uncertain significance for Tuberous sclerosis 2. Last evaluated: 2025-01-17. Review status: criteria provided, single submitter. Criteria: Invitae Variant Classification Sherloc (09022015). Collection method: clinical testing. Allele origin: germline.
Comment: This sequence change replaces aspartic acid, which is acidic and polar, with glutamic acid, which is acidic and polar, at codon 781 of the TSC2 protein (p.Asp781Glu). This variant is not present in population databases (gnomAD no frequency). This missense change has been observed in individual(s) with tuberous sclerosis complex (PMID: 32917966). ClinVar contains an entry for this variant (Variation ID: 848792). Invitae Evidence Modeling of protein sequence and biophysical properties (such as structural, functional, and spatial information, amino acid conservation, physicochemical variation, residue mobility, and thermodynamic stability) indicates that this missense variant is not expected to disrupt TSC2 protein function with a negative predictive value of 95%. In summary, the available evidence is currently insufficient to determine the role of this variant in disease. Therefore, it has been classified as a Variant of Uncertain Significance.

Ambry Genetics
Classification: Uncertain significance for Hereditary cancer-predisposing syndrome. Last evaluated: 2024-07-31. Review status: criteria provided, single submitter. Criteria: Ambry Variant Classification Scheme 2023. Collection method: clinical testing. Allele origin: germline.
Comment: The p.D781E variant (also known as c.2343C>G), located in coding exon 20 of the TSC2 gene, results from a C to G substitution at nucleotide position 2343. The aspartic acid at codon 781 is replaced by glutamic acid, an amino acid with highly similar properties. This alteration was identified in 1 of 374 patients with clinically suspected tuberous sclerosis complex undergoing genetic testing within the TSC1 and TSC2 genes (Meng Y et al. J Hum Genet, 2021 Mar;66:227-236). This amino acid position is well conserved in available vertebrate species. In addition, the in silico prediction for this alteration is inconclusive. Based on the available evidence, the clinical significance of this variant remains unclear.

Literature cited by the submitters: PubMed 32917966 (cited by Labcorp Genetics (formerly Invitae), Labcorp and Ambry Genetics).

NM_000548.5(TSC2):c.2343C>G (p.Asp781Glu)

Gene: TSC2 (TSC complex subunit 2; plus strand). Cytogenetic location: 16p13.3.
Variant type: single nucleotide variant.
Coding change: c.2343C>G on transcript NM_000548.5 (MANE Select); coding-DNA position 2343, C replaced by G.
Protein change: p.Asp781Glu; replaces aspartic acid 781 with glutamic acid.
Molecular consequence: missense variant.
Genome position (GRCh38, 1-based): chr16:2,072,971, C>G. VCF-style: chr16-2072971-C-G. GRCh37 (hg19) VCF-style: chr16-2122972-C-G.
Other names: c.2343C>G, p.Asp781Glu (NM_001077183.3, NM_001114382.3, NM_001363528.2 and 3 more transcripts); c.2232C>G, p.Asp744Glu (NM_001318827.2); c.2196C>G, p.Asp732Glu (NM_001318829.2); c.1743C>G, p.Asp581Glu (NM_001318831.2); c.2376C>G, p.Asp792Glu (NM_001318832.2); short protein forms D744E, D732E, D792E, D581E, D781E.
Identifiers: ClinVar variation 848792 (VCV000848792.13), dbSNP rs1446097378, ClinGen allele CA394276691.